The following is an entry in ClinVar:

NM_004733.4(SLC33A1):c.*1T>A

Gene: SLC33A1 (solute carrier family 33 member 1; minus strand). Cytogenetic location: 3q25.31.
Variant type: single nucleotide variant.
Coding change: c.*1T>A on transcript NM_004733.4 (MANE Select); 1 bases downstream of the stop codon, T replaced by A.
Molecular consequence: 3 prime UTR variant.
Genome position (GRCh38, 1-based): chr3:155,828,209, A>T on the plus strand (T>A on the coding strand, the complement: SLC33A1 is on the minus strand). VCF-style: chr3-155828209-A-T. GRCh37 (hg19) VCF-style: chr3-155545998-A-T.
Other names: c.*1T>A (NM_001190992.2, NM_001363883.1).
Identifiers: ClinVar variation 4682161 (VCV004682161.1).

ClinVar aggregate classification (germline): Uncertain significance (1 of 4 stars; one submission).

gnomAD v4.1: 53 of 1,606,808 alleles (0.0033%); highest among the groups gnomAD compares: Middle Eastern, 0.05%; no homozygotes.

Submission:

Athena Diagnostics
Classification: Uncertain significance. Last evaluated: 2025-08-20. Review status: criteria provided, single submitter. Criteria: Athena Diagnostics Criteria. Collection method: clinical testing. Allele origin: unknown.
Comment: Available data are insufficient to determine the clinical significance of the variant at this time. The frequency of this variant in the general population is uninformative in assessment of its pathogenicity. Computational tools yielded predictions that this variant is unlikely to have an effect on normal RNA splicing.